The following is an entry in ClinVar:

ClinVar aggregate classification (germline): Uncertain significance (1 of 4 stars; one submission).

Conditions:
LAMA2-related muscular dystrophy (LAMA2-RD). Also called: Laminin alpha 2-related dystrophy. Identifiers: MedGen C5679788, MONDO:0100228.

Allele frequency attached by ClinVar (database versions not stated): gnomAD 0.00001; TOPMed 0.00001.
gnomAD v4.1: 1 of 1,576,294 alleles (0.000063%); highest among the groups gnomAD compares: Admixed American, 0.0017%; no homozygotes.

Submission:

Labcorp Genetics (formerly Invitae), Labcorp
Classification: Uncertain significance for LAMA2-related muscular dystrophy. Last evaluated: 2021-07-26. Review status: criteria provided, single submitter. Criteria: Invitae Variant Classification Sherloc (09022015). Collection method: clinical testing. Allele origin: germline.
Comment: In summary, the available evidence is currently insufficient to determine the role of this variant in disease. Therefore, it has been classified as a Variant of Uncertain Significance. Nucleotide substitutions within the consensus splice site are a relatively common cause of aberrant splicing (PMID: 17576681, 9536098). Algorithms developed to predict the effect of sequence changes on RNA splicing suggest that this variant may disrupt the consensus splice site. This variant has not been reported in the literature in individuals affected with LAMA2-related conditions. This variant is not present in population databases (ExAC no frequency). This sequence change falls in intron 41 of the LAMA2 gene. It does not directly change the encoded amino acid sequence of the LAMA2 protein. It affects a nucleotide within the consensus splice site of the intron.

Literature cited by the submitters: PubMed 17576681; PubMed 9536098.

NM_000426.4(LAMA2):c.5968+5G>A

Gene: LAMA2 (laminin subunit alpha 2; plus strand). Cytogenetic location: 6q22.33.
Variant type: single nucleotide variant.
Coding change: c.5968+5G>A on transcript NM_000426.4 (MANE Select); 5 bases into the intron after coding-DNA position 5968, G replaced by A.
Molecular consequence: intron variant.
Genome position (GRCh38, 1-based): chr6:129,427,859, G>A. VCF-style: chr6-129427859-G-A. GRCh37 (hg19) VCF-style: chr6-129749004-G-A.
Other names: c.5968+5G>A (NM_001079823.2).
Identifiers: ClinVar variation 1450003 (VCV001450003.6), dbSNP rs1462533216, ClinGen allele CA818850035.